The following is an entry in ClinVar:

ClinVar aggregate classification (germline): Likely benign. Review status: reviewed by expert panel (3 of 4 stars). 2 submissions from 2 submitters: Likely benign (1). 1 of the submissions does not count toward it. Last evaluated 2017-06-29.

Conditions:
Hereditary cancer-predisposing syndrome. Also called: Hereditary Cancer Syndrome; Neoplastic Syndromes, Hereditary; Tumor predisposition; Hereditary neoplastic syndrome. Identifiers: Orphanet 140162, MedGen C0027672, MeSH D009386, MONDO:0015356.
Breast-ovarian cancer, familial, susceptibility to, 2 (BROVCA2). Also called: BRCA2 Hereditary Breast and Ovarian Cancer. Identifiers: Orphanet 145, MedGen C2675520, MONDO:0012933, OMIM 612555. Disease mechanism: loss of function.

Allele frequency attached by ClinVar (database versions not stated): gnomAD exomes below 0.00001.
gnomAD v4.1: 1 of 1,612,526 alleles (0.000062%); highest among the groups gnomAD compares: Non-Finnish European, 0.000085%; no homozygotes.

Submissions (2):

Evidence-based Network for the Interpretation of Germline Mutant Alleles (ENIGMA)
Classification: Likely benign for Breast-ovarian cancer, familial, susceptibility to, 2. Last evaluated: 2017-06-29. Review status: reviewed by expert panel. Criteria: ENIGMA BRCA1/2 Classification Criteria (2017-06-29). Collection method: curation. Allele origin: germline.
Comment: Synonymous substitution variant, with low bioinformatic likelihood to result in a splicing aberration (Splicing prior probability 0.02).

Ambry Genetics
Classification: Likely benign for Hereditary cancer-predisposing syndrome. Last evaluated: 2015-01-19. Review status: criteria provided, single submitter. Criteria: Ambry Variant Classification Scheme 2023. Collection method: clinical testing. Allele origin: germline. Not counted in ClinVar's aggregate classification.

NM_000059.4(BRCA2):c.3351A>T (p.Ile1117=)

Gene: BRCA2 (BRCA2 DNA repair associated; plus strand). Cytogenetic location: 13q13.1.
Variant type: single nucleotide variant.
Coding change: c.3351A>T on transcript NM_000059.4 (MANE Select); coding-DNA position 3351, A replaced by T.
Protein change: p.Ile1117=; no amino-acid change (isoleucine 1117 retained).
Molecular consequence: synonymous variant.
Genome position (GRCh38, 1-based): chr13:32,337,706, A>T. VCF-style: chr13-32337706-A-T. GRCh37 (hg19) VCF-style: chr13-32911843-A-T.
Identifiers: ClinVar variation 230149 (VCV000230149.7), dbSNP rs730881522, ClinGen allele CA10579573.
Genomic context (GRCh38, chr13:32,337,706, plus strand): 5'-TAATTCAAACCATAATTTAACACCTAGCCAAAAGGCAGAAATTACAGAACTTTCTACTAT[A>T]TTAGAAGAATCAGGAAGTCAGTTTGAATTTACTCAGTTTAGAAAACCAAGCTACATATTG-3'
Protein context (NP_000050.3, residues 1107-1127): QKAEITELST[Ile1117=]LEESGSQFEF